The following is an entry in ClinVar:

ClinVar aggregate classification (germline): Uncertain significance (1 of 4 stars; one submission).

Conditions:
Gorlin syndrome. Also called: Basal cell nevus syndrome; Nevoid Basal Cell Carcinoma Syndrome. Identifiers: Orphanet 377, MedGen C0004779, MONDO:0007187.

Allele frequency attached by ClinVar (database versions not stated): gnomAD exomes below 0.00001.
gnomAD v4.1: 1 of 1,614,156 alleles (0.000062%); highest among the groups gnomAD compares: Non-Finnish European, 0.000085%; no homozygotes.

Submission:

Labcorp Genetics (formerly Invitae), Labcorp
Classification: Uncertain significance for Gorlin syndrome. Last evaluated: 2018-05-05. Review status: criteria provided, single submitter. Criteria: Invitae Variant Classification Sherloc (09022015). Collection method: clinical testing. Allele origin: germline.
Comment: This variant is not present in population databases (ExAC no frequency). In summary, the available evidence is currently insufficient to determine the role of this variant in disease. Therefore, it has been classified as a Variant of Uncertain Significance. Algorithms developed to predict the effect of missense changes on protein structure and function do not agree on the potential impact of this missense change (SIFT: "Tolerated"; PolyPhen-2: "Probably Damaging"; Align-GVGD: "Class C0"). This variant has not been reported in the literature in individuals with PTCH1-related disease. This sequence change replaces tryptophan with glycine at codon 1051 of the PTCH1 protein (p.Trp1051Gly). The tryptophan residue is highly conserved and there is a large physicochemical difference between tryptophan and glycine.

NM_000264.5(PTCH1):c.3151T>G (p.Trp1051Gly)

Gene: PTCH1 (patched 1; minus strand). Cytogenetic location: 9q22.32.
Variant type: single nucleotide variant.
Coding change: c.3151T>G on transcript NM_000264.5 (MANE Select); coding-DNA position 3151, T replaced by G.
Protein change: p.Trp1051Gly; replaces tryptophan 1051 with glycine.
Molecular consequence: missense variant. On other transcripts: non-coding transcript variant (1).
Genome position (GRCh38, 1-based): chr9:95,458,030, A>C on the plus strand (T>G on the coding strand, the complement: PTCH1 is on the minus strand). VCF-style: chr9-95458030-A-C. GRCh37 (hg19) VCF-style: chr9-98220312-A-C.
Other names: c.2953T>G, p.Trp985Gly (NM_001083602.3); c.3148T>G, p.Trp1050Gly (NM_001083603.3); c.2698T>G, p.Trp900Gly (NM_001083604.3, NM_001083605.3, NM_001083606.3 and 1 more transcripts); c.2995T>G, p.Trp999Gly (NM_001354918.2); short protein forms W1051G, W985G, W900G, W999G, W1050G.
Identifiers: ClinVar variation 578904 (VCV000578904.9), dbSNP rs1564019039, ClinGen allele CA374112283.